The following is an entry in ClinVar:

ClinVar aggregate classification (germline): Likely pathogenic (1 of 4 stars; one submission).

Conditions:
Fabry disease. Also called: ALPHA-GALACTOSIDASE A DEFICIENCY; ANDERSON-FABRY DISEASE; CERAMIDE TRIHEXOSIDASE DEFICIENCY; GLA DEFICIENCY; HEREDITARY DYSTOPIC LIPIDOSIS; Angiokeratoma corporis diffusum. Identifiers: Orphanet 324, MedGen C0002986, MONDO:0010526, OMIM 301500, HP:0001071. Disease mechanism: Fabry disease is due to inactivating mutations in the X-linked GLA gene resulting in deficiency of the enzyme Alpha Galactosidase-A., loss of function.

Submission:

Genomenon, Inc
Classification: Likely pathogenic for Fabry disease. Last evaluated: 2026-09-08. Review status: criteria provided, single submitter. Criteria: Genomenon Sequence Variant Interpretation Standards - Updated. Collection method: curation. Allele origin: germline. Affected: yes.
Comment: GLA p.Leu300His (c.899T>A) is a missense variant that changes the amino acid at codon 300 from Leucine to Histidine. This variant has been observed in at least one proband with clinical features consistent with Fabry disease (PMID:28728877;29688992). At least one functional study has demonstrated a substantial alteration in protein function relative to the wild-type (PMID:27657681). It is absent or not present at a significant frequency in gnomAD. In silico models predict that this variant is possibly or probably damaging. In conclusion, we classify GLA p.Leu300His (c.899T>A) as a likely pathogenic variant.

Literature cited by the submitters: PubMed 28728877; PubMed 29688992; PubMed 27657681.

NM_000169.3(GLA):c.899T>A (p.Leu300His)

Genes: GLA (galactosidase alpha; minus strand), RPL36A-HNRNPH2 (RPL36A-HNRNPH2 readthrough; plus strand). Cytogenetic location: Xq22.1.
Variant type: single nucleotide variant.
Coding change: c.899T>A on transcript NM_000169.3 (MANE Select); coding-DNA position 899, T replaced by A.
Protein change: p.Leu300His; replaces leucine 300 with histidine.
Molecular consequence: missense variant. On other transcripts: non-coding transcript variant (3), intron variant (2).
Genome position (GRCh38, 1-based): chrX:101,398,470, A>T on the plus strand (T>A on the coding strand, the complement: GLA is on the minus strand). VCF-style: chrX-101398470-A-T. GRCh37 (hg19) VCF-style: chrX-100653458-A-T.
Other names: c.1022T>A, p.Leu341His (NM_001406747.1); c.899T>A, p.Leu300His (NM_001406748.1); c.300+3013A>T (NM_001199973.2); c.177+6648A>T (NM_001199974.2); short protein forms L300H, L341H.
Identifiers: ClinVar variation 4087572 (VCV004087572.2).